The following is an entry in ClinVar:

ClinVar aggregate classification (germline): Benign/Likely benign. Review status: criteria provided, multiple submitters, no conflicts (2 of 4 stars). 3 submissions from 3 submitters: Benign (1); Likely benign (2). Last evaluated 2025-09-29.

Conditions:
Tuberous sclerosis 2 (TSC2). Identifiers: Orphanet 805, MedGen C1860707, MONDO:0013199, OMIM 613254.
Hereditary cancer-predisposing syndrome. Also called: Hereditary neoplastic syndrome; Neoplastic Syndromes, Hereditary; Tumor predisposition; Hereditary Cancer Syndrome. Identifiers: Orphanet 140162, MedGen C0027672, MeSH D009386, MONDO:0015356.

Submissions (3):

Labcorp Genetics (formerly Invitae), Labcorp
Classification: Likely benign for Tuberous sclerosis 2. Last evaluated: 2025-09-29. Review status: criteria provided, single submitter. Criteria: Invitae Variant Classification Sherloc (09022015). Collection method: clinical testing. Allele origin: germline.

Myriad Genetics, Inc.
Classification: Benign for Tuberous sclerosis 2. Last evaluated: 2025-06-06. Review status: criteria provided, single submitter. Criteria: Myriad Autosomal Dominant, Autosomal Recessive and X-Linked Classification Criteria (2023). Collection method: clinical testing. Allele origin: unknown.
Comment: This variant is considered benign. This variant is a silent/synonymous amino acid change and it is not expected to impact splicing.

Ambry Genetics
Classification: Likely benign for Hereditary cancer-predisposing syndrome. Last evaluated: 2024-09-26. Review status: criteria provided, single submitter. Criteria: Ambry Variant Classification Scheme 2023. Collection method: clinical testing. Allele origin: germline.

NM_000548.5(TSC2):c.5250C>T (p.Leu1750=)

Gene: TSC2 (TSC complex subunit 2; plus strand). Cytogenetic location: 16p13.3.
Variant type: single nucleotide variant.
Coding change: c.5250C>T on transcript NM_000548.5 (MANE Select); coding-DNA position 5250, C replaced by T.
Protein change: p.Leu1750=; no amino-acid change (leucine 1750 retained).
Molecular consequence: synonymous variant. On other transcripts: non-coding transcript variant (5).
Genome position (GRCh38, 1-based): chr16:2,088,316, C>T. VCF-style: chr16-2088316-C-T. GRCh37 (hg19) VCF-style: chr16-2138317-C-T.
Other names: c.5049C>T, p.Leu1683= (NM_001077183.3); c.5181C>T, p.Leu1727= (NM_001114382.3); c.4941C>T, p.Leu1647= (NM_001318827.2); c.4905C>T, p.Leu1635= (NM_001318829.2); c.4518C>T, p.Leu1506= (NM_001318831.2); c.5082C>T, p.Leu1694= (NM_001318832.2); c.5052C>T, p.Leu1684= (NM_001363528.2); c.5118C>T, p.Leu1706= (NM_001370404.1); and 27 more.
Identifiers: ClinVar variation 1967322 (VCV001967322.7), dbSNP rs370353005, ClinGen allele CA276759574.